The following is an entry in ClinVar:

NM_001126108.2(SLC12A3):c.1568-5C>G

Gene: SLC12A3 (solute carrier family 12 member 3; plus strand). Cytogenetic location: 16q13.
Variant type: single nucleotide variant.
Coding change: c.1568-5C>G on transcript NM_001126108.2 (MANE Select); 5 bases into the intron before coding-DNA position 1568, C replaced by G.
Molecular consequence: intron variant.
Genome position (GRCh38, 1-based): chr16:56,882,391, C>G. VCF-style: chr16-56882391-C-G. GRCh37 (hg19) VCF-style: chr16-56916303-C-G.
Other names: c.1568-5C>G (NM_000339.3); c.1565-5C>G (NM_001126107.2, NM_001410896.1).
Identifiers: ClinVar variation 3032120 (VCV003032120.2), dbSNP rs751475080, ClinGen allele CA8069536.

ClinVar aggregate classification (germline): Likely benign (0 of 4 stars; one submission).

Conditions:
SLC12A3-related disorder. Also called: SLC12A3-related condition.

gnomAD v4.1: 2 of 1,612,980 alleles (0.00012%); highest among the groups gnomAD compares: Non-Finnish European, 0.000085%; no homozygotes.

Submission:

PreventionGenetics, part of Exact Sciences
Classification: Likely benign for SLC12A3-related condition. Last evaluated: 2020-10-29. Review status: no assertion criteria provided. Collection method: clinical testing. Allele origin: germline.
Comment: This variant is classified as likely benign based on ACMG/AMP sequence variant interpretation guidelines (Richards et al. 2015 PMID: 25741868, with internal and published modifications).